The following is an entry in ClinVar:

NM_173660.5(DOK7):c.332-56G>A

Gene: DOK7 (docking protein 7; plus strand). Cytogenetic location: 4p16.3.
Variant type: single nucleotide variant.
Coding change: c.332-56G>A on transcript NM_173660.5 (MANE Select); 56 bases into the intron before coding-DNA position 332, G replaced by A.
Molecular consequence: intron variant.
Genome position (GRCh38, 1-based): chr4:3,476,286, G>A. VCF-style: chr4-3476286-G-A. GRCh37 (hg19) VCF-style: chr4-3478013-G-A.
Other names: c.332-56G>A (NM_001301071.2, NM_001164673.2); c.101-9253G>A (NM_001363811.2).
Identifiers: ClinVar variation 681756 (VCV000681756.2), dbSNP rs2699424, ClinGen allele CA16172493.

ClinVar aggregate classification (germline): Benign. Review status: criteria provided, multiple submitters, no conflicts (2 of 4 stars). 2 submissions from 2 submitters: Benign (2). Last evaluated 2018-06-19.

Submissions (2):

GeneDx
Classification: Benign. Last evaluated: 2018-06-19. Review status: criteria provided, single submitter. Criteria: GeneDx Variant Classification (06012015). Collection method: clinical testing. Allele origin: germline. Affected: yes.
Comment: This variant is considered likely benign or benign based on one or more of the following criteria: it is a conservative change, it occurs at a poorly conserved position in the protein, it is predicted to be benign by multiple in silico algorithms, and/or has population frequency not consistent with disease.

Breakthrough Genomics
Classification: Benign. Review status: criteria provided, single submitter. Criteria: ACMG Guidelines, 2015. Collection method: not provided. Allele origin: germline. Inheritance: Autosomal recessive inheritance. Affected: yes.